The following is an entry in ClinVar:

ClinVar aggregate classification (germline): Uncertain significance. Review status: criteria provided, multiple submitters, no conflicts (2 of 4 stars). 2 submissions from 2 submitters: Uncertain significance (2). Last evaluated 2024-12-26.

Conditions:
Neuropathy, hereditary sensory and autonomic, type 1C. Also called: HSAN IC; HSN IC. Identifiers: Orphanet 36386, MedGen C3150896, MONDO:0013337, OMIM 613640.

Allele frequency attached by ClinVar (database versions not stated): TOPMed below 0.00001; ExAC 0.00001; gnomAD exomes 0.00002.
gnomAD v4.1: 33 of 1,613,670 alleles (0.002%); highest among the groups gnomAD compares: Non-Finnish European, 0.0026%; no homozygotes.

Submissions (2):

GeneDx
Classification: Uncertain significance. Last evaluated: 2024-12-26. Review status: criteria provided, single submitter. Criteria: GeneDx Variant Classification Process June 2021. Collection method: clinical testing. Allele origin: germline. Affected: yes.
Comment: Not observed at significant frequency in large population cohorts (gnomAD); In silico analysis supports that this missense variant has a deleterious effect on protein structure/function; Has not been previously published as pathogenic or benign to our knowledge

Labcorp Genetics (formerly Invitae), Labcorp
Classification: Uncertain significance for Neuropathy, hereditary sensory and autonomic, type 1C. Last evaluated: 2024-06-09. Review status: criteria provided, single submitter. Criteria: Invitae Variant Classification Sherloc (09022015). Collection method: clinical testing. Allele origin: germline.
Comment: This sequence change replaces threonine, which is neutral and polar, with methionine, which is neutral and non-polar, at codon 241 of the SPTLC2 protein (p.Thr241Met). This variant is present in population databases (rs573390475, gnomAD 0.002%). This variant has not been reported in the literature in individuals affected with SPTLC2-related conditions. ClinVar contains an entry for this variant (Variation ID: 2040664). Advanced modeling of protein sequence and biophysical properties (such as structural, functional, and spatial information, amino acid conservation, physicochemical variation, residue mobility, and thermodynamic stability) performed at Invitae indicates that this missense variant is expected to disrupt SPTLC2 protein function with a positive predictive value of 80%. In summary, the available evidence is currently insufficient to determine the role of this variant in disease. Therefore, it has been classified as a Variant of Uncertain Significance.

NM_004863.4(SPTLC2):c.722C>T (p.Thr241Met)

Gene: SPTLC2 (serine palmitoyltransferase long chain base subunit 2; minus strand). Cytogenetic location: 14q24.3.
Variant type: single nucleotide variant.
Coding change: c.722C>T on transcript NM_004863.4 (MANE Select); coding-DNA position 722, C replaced by T.
Protein change: p.Thr241Met; replaces threonine 241 with methionine.
Molecular consequence: missense variant.
Genome position (GRCh38, 1-based): chr14:77,570,418, G>A on the plus strand (C>T on the coding strand, the complement: SPTLC2 is on the minus strand). VCF-style: chr14-77570418-G-A. GRCh37 (hg19) VCF-style: chr14-78036761-G-A.
Other names: short protein forms T241M.
Identifiers: ClinVar variation 2040664 (VCV002040664.5), dbSNP rs573390475, ClinGen allele CA7289393.
Genomic context (GRCh38, chr14:77,570,418, plus strand): 5'-TTTTCATAAATGACAGAGTATCTTACTTTGCCAACAAGAGCAGGAATGTTCATTGAATTC[G>A]TTGCAAATCCCATGCCATACGCCATAGCAGCTTCTACTCCTAAGAACCTTGCTACAAGCT-3'
Protein context (NP_004854.1, residues 231-251): AAMAYGMGFA[Thr241Met]NSMNIPALVG